The following is an entry in ClinVar:

ClinVar aggregate classification (germline): Uncertain significance. Review status: criteria provided, multiple submitters, no conflicts (2 of 4 stars). 2 submissions from 2 submitters: Uncertain significance (2). Last evaluated 2024-07-08.

Allele frequency attached by ClinVar (database versions not stated): gnomAD exomes below 0.00001; gnomAD 0.00001; TOPMed 0.00001.
gnomAD v4.1: 5 of 1,614,150 alleles (0.00031%); highest among the groups gnomAD compares: Non-Finnish European, 0.00034%; no homozygotes.

Submissions (2):

Labcorp Genetics (formerly Invitae), Labcorp
Classification: Uncertain significance. Last evaluated: 2024-07-08. Review status: criteria provided, single submitter. Criteria: Invitae Variant Classification Sherloc (09022015). Collection method: clinical testing. Allele origin: germline.
Comment: This sequence change replaces alanine, which is neutral and non-polar, with valine, which is neutral and non-polar, at codon 153 of the RHO protein (p.Ala153Val). This variant is not present in population databases (gnomAD no frequency). This variant has not been reported in the literature in individuals affected with RHO-related conditions. ClinVar contains an entry for this variant (Variation ID: 1509710). Advanced modeling of protein sequence and biophysical properties (such as structural, functional, and spatial information, amino acid conservation, physicochemical variation, residue mobility, and thermodynamic stability) performed at Invitae indicates that this missense variant is not expected to disrupt RHO protein function with a negative predictive value of 80%. In summary, the available evidence is currently insufficient to determine the role of this variant in disease. Therefore, it has been classified as a Variant of Uncertain Significance.

Blueprint Genetics
Classification: Uncertain significance. Last evaluated: 2022-09-20. Review status: criteria provided, single submitter. Criteria: ACMG Guidelines, 2015. Collection method: clinical testing. Allele origin: germline.

NM_000539.3(RHO):c.458C>T (p.Ala153Val)

Gene: RHO (rhodopsin; plus strand). Cytogenetic location: 3q22.1.
Variant type: single nucleotide variant.
Coding change: c.458C>T on transcript NM_000539.3 (MANE Select); coding-DNA position 458, C replaced by T.
Protein change: p.Ala153Val; replaces alanine 153 with valine.
Molecular consequence: missense variant.
Genome position (GRCh38, 1-based): chr3:129,530,972, C>T. VCF-style: chr3-129530972-C-T. GRCh37 (hg19) VCF-style: chr3-129249815-C-T.
Other names: short protein forms A153V.
Identifiers: ClinVar variation 1509710 (VCV001509710.7), dbSNP rs1418964117, ClinGen allele CA354498363.